The following is an entry in ClinVar:

NM_016169.4(SUFU):c.549A>G (p.Pro183=)

Gene: SUFU (SUFU negative regulator of hedgehog signaling; plus strand). Cytogenetic location: 10q24.32.
Variant type: single nucleotide variant.
Coding change: c.549A>G on transcript NM_016169.4 (MANE Select); coding-DNA position 549, A replaced by G.
Protein change: p.Pro183=; no amino-acid change (proline 183 retained).
Molecular consequence: synonymous variant.
Genome position (GRCh38, 1-based): chr10:102,592,676, A>G. VCF-style: chr10-102592676-A-G. GRCh37 (hg19) VCF-style: chr10-104352433-A-G.
Other names: c.549A>G, p.Pro183= (NM_001178133.2).
Identifiers: ClinVar variation 3451120 (VCV003451120.10).
Genomic context (GRCh38, chr10:102,592,676, plus strand): 5'-GCACAGCCCTTTGGATAACAGTGAGTCAAGAATTCAGCACATGCTGCTGACAGAGGACCC[A>G]CAGATGCAGCCCGTGCAGACACCCTTTGGGGTAGTTACCTTCCTCCAGGTGAGGCACAGG-3'
Protein context (NP_057253.2, residues 173-193): RIQHMLLTED[Pro183=]QMQPVQTPFG

ClinVar aggregate classification (germline): Likely benign. Review status: criteria provided, multiple submitters, no conflicts (2 of 4 stars). 3 submissions from 3 submitters: Likely benign (3). Last evaluated 2025-08-01.

Conditions:
Gorlin syndrome. Also called: Nevoid Basal Cell Carcinoma Syndrome; Basal cell nevus syndrome. Identifiers: Orphanet 377, MedGen C0004779, MONDO:0007187.
Medulloblastoma (MDB). Also called: Medulloblastoma, somatic; MEDULLOBLASTOMA PREDISPOSITION SYNDROME. Identifiers: Orphanet 616, MedGen C0025149, MeSH D008527, MONDO:0007959, OMIM 155255, HP:0002885.
Hereditary cancer-predisposing syndrome. Also called: Neoplastic Syndromes, Hereditary; Tumor predisposition; Hereditary Cancer Syndrome; Hereditary neoplastic syndrome. Identifiers: Orphanet 140162, MedGen C0027672, MeSH D009386, MONDO:0015356.

Submissions (3):

CeGaT Center for Human Genetics Tuebingen
Classification: Likely benign. Last evaluated: 2025-08-01. Review status: criteria provided, single submitter. Criteria: CeGaT Center For Human Genetics Tuebingen Variant Classification Criteria Version 2. Collection method: clinical testing. Allele origin: germline. Affected: yes. Observed: 1 variant allele.
Comment: SUFU: BP4, BP7

Labcorp Genetics (formerly Invitae), Labcorp
Classification: Likely benign for Gorlin syndrome; Medulloblastoma. Last evaluated: 2025-02-09. Review status: criteria provided, single submitter. Criteria: Invitae Variant Classification Sherloc (09022015). Collection method: clinical testing. Allele origin: germline.

Ambry Genetics
Classification: Likely benign for Hereditary cancer-predisposing syndrome. Last evaluated: 2024-07-02. Review status: criteria provided, single submitter. Criteria: Ambry Variant Classification Scheme 2023. Collection method: clinical testing. Allele origin: germline.